The following is an entry in ClinVar:

NM_000069.3(CACNA1S):c.3688A>G (p.Ile1230Val)

Gene: CACNA1S (calcium voltage-gated channel subunit alpha1 S; minus strand). Cytogenetic location: 1q32.1.
Variant type: single nucleotide variant.
Coding change: c.3688A>G on transcript NM_000069.3 (MANE Select); coding-DNA position 3688, A replaced by G.
Protein change: p.Ile1230Val; replaces isoleucine 1230 with valine.
Molecular consequence: missense variant.
Genome position (GRCh38, 1-based): chr1:201,053,566, T>C on the plus strand (A>G on the coding strand, the complement: CACNA1S is on the minus strand). VCF-style: chr1-201053566-T-C. GRCh37 (hg19) VCF-style: chr1-201022694-T-C.
Other names: short protein forms I1230V.
Identifiers: ClinVar variation 3061482 (VCV003061482.3), dbSNP rs1265187841, ClinGen allele CA344154988.
Genomic context (GRCh38, chr1:201,053,566, plus strand): 5'-CCCGGCTCAGCAGCTTGATCAGCCTCATGACACGGAACAGGCGGAAGAAGGCGCTGGAGA[T>C]GCGGGCACTCTCATCTGGGTCCTGCGGGGCAGCAGCCCCAGAGGTCAGTCTGGGGGCAGA-3'
Protein context (NP_000060.2, residues 1220-1240): GNVDPDESAR[Ile1230Val]SSAFFRLFRV

ClinVar aggregate classification (germline): Uncertain significance. Review status: criteria provided, single submitter (1 of 4 stars). 2 submissions from 2 submitters: Uncertain significance (1). 1 of the submissions does not count toward it. Last evaluated 2025-03-03.

Conditions:
CACNA1S-related disorder. Also called: CACNA1S-related condition.
Malignant hyperthermia, susceptibility to, 5 (MHS5). Also called: CACNA1S-Related Malignant Hyperthermia Susceptibility. Identifiers: Orphanet 423, MedGen C1866077, MONDO:0011163, OMIM 601887.

gnomAD v4.1: 7 of 1,609,208 alleles (0.00043%); highest among the groups gnomAD compares: Middle Eastern, 0.017%; no homozygotes.

Submissions (2):

Color Diagnostics, LLC DBA Color Health
Classification: Uncertain significance for Malignant hyperthermia, susceptibility to, 5. Last evaluated: 2025-03-03. Review status: criteria provided, single submitter. Criteria: ACMG Guidelines, 2015. Collection method: clinical testing. Allele origin: germline.
Comment: This missense variant replaces isoleucine with valine at codon 1230 of the CACNA1S protein. Computational prediction suggests that this variant may not impact protein structure and function (internally defined REVEL score threshold <= 0.5, PMID: 27666373). To our knowledge, functional studies have not been reported for this variant. This variant has not been reported in individuals affected with CACNA1S-related disorders in the literature. This variant has not been identified in the general population by the Genome Aggregation Database (gnomAD). The available evidence is insufficient to determine the role of this variant in disease conclusively. Therefore, this variant is classified as a Variant of Uncertain Significance.

PreventionGenetics, part of Exact Sciences
Classification: Uncertain significance for CACNA1S-related condition. Last evaluated: 2023-11-20. Review status: no assertion criteria provided. Collection method: clinical testing. Allele origin: germline. Not counted in ClinVar's aggregate classification.
Comment: The CACNA1S c.3688A>G variant is predicted to result in the amino acid substitution p.Ile1230Val. To our knowledge, this variant has not been reported in the literature or in a large population database, indicating this variant is rare. At this time, the clinical significance of this variant is uncertain due to the absence of conclusive functional and genetic evidence.